The following is an entry in ClinVar:

ClinVar aggregate classification (germline): Conflicting classifications of pathogenicity. Review status: criteria provided, conflicting classifications (1 of 4 stars). 4 submissions from 3 submitters: Uncertain significance (3); Likely benign (1). Last evaluated 2026-05-01.

Conditions:
Charcot-Marie-Tooth disease axonal type 2L. Also called: Charcot-Marie-Tooth Neuropathy Type 2L; CHARCOT-MARIE-TOOTH DISEASE, AXONAL, AUTOSOMAL DOMINANT, TYPE 2L; CHARCOT-MARIE-TOOTH NEUROPATHY, AXONAL, TYPE 2L. Identifiers: Orphanet 99945, MedGen C1837552, MONDO:0012096, OMIM 608673.
Neuronopathy, distal hereditary motor, type 2A. Also called: HMN IIA; NEURONOPATHY, DISTAL HEREDITARY MOTOR, AUTOSOMAL DOMINANT 2; NEURONOPATHY, DISTAL HEREDITARY MOTOR, HARDING TYPE IIA; NEUROPATHY, DISTAL HEREDITARY MOTOR, HARDING TYPE IIA; SPINAL MUSCULAR ATROPHY, DISTAL, ADULT, AUTOSOMAL DOMINANT, HARDING TYPE IIA; CHARCOT-MARIE-TOOTH DISEASE, SPINAL, IIA. Identifiers: Orphanet 139525, MedGen C1834692, MONDO:0008025, OMIM 158590.
Inborn genetic diseases. Identifiers: MedGen C0950123, MeSH D030342.

Allele frequency attached by ClinVar (database versions not stated): gnomAD 0.00001; gnomAD exomes 0.00001; TOPMed 0.00001.

Submissions (4):

CeGaT Center for Human Genetics Tuebingen
Classification: Likely benign. Last evaluated: 2026-05-01. Review status: criteria provided, single submitter. Criteria: CeGaT Center For Human Genetics Tuebingen Variant Classification Criteria Version 2. Collection method: clinical testing. Allele origin: germline. Affected: yes. Observed: 2 variant alleles.
Comment: HSPB8: BS2

Ambry Genetics
Classification: Uncertain significance for Inborn genetic diseases. Last evaluated: 2025-09-22. Review status: criteria provided, single submitter. Criteria: Ambry Variant Classification Scheme 2023. Collection method: clinical testing. Allele origin: germline.

Illumina Laboratory Services, Illumina
Classification: Uncertain significance for Neuronopathy, distal hereditary motor, type 2A. Last evaluated: 2018-01-12. Review status: criteria provided, single submitter. Criteria: ICSL Variant Classification Criteria 13 December 2019. Collection method: clinical testing. Allele origin: germline.

Illumina Laboratory Services, Illumina
Classification: Uncertain significance for Charcot-Marie-Tooth disease axonal type 2L. Last evaluated: 2018-01-12. Review status: criteria provided, single submitter. Criteria: ICSL Variant Classification Criteria 13 December 2019. Collection method: clinical testing. Allele origin: germline.

NM_014365.3(HSPB8):c.163C>T (p.Arg55Cys)

Gene: HSPB8 (heat shock protein family B (small) member 8; plus strand). Cytogenetic location: 12q24.23.
Variant type: single nucleotide variant.
Coding change: c.163C>T on transcript NM_014365.3 (MANE Select); coding-DNA position 163, C replaced by T.
Protein change: p.Arg55Cys; replaces arginine 55 with cysteine.
Molecular consequence: missense variant.
Genome position (GRCh38, 1-based): chr12:119,179,475, C>T. VCF-style: chr12-119179475-C-T. GRCh37 (hg19) VCF-style: chr12-119617280-C-T.
Other names: short protein forms R55C.
Identifiers: ClinVar variation 880624 (VCV000880624.37), dbSNP rs1011669872, ClinGen allele CA244334734.